The following is an entry in ClinVar:

NM_012418.4(FSCN2):c.1279G>A (p.Asp427Asn)

Gene: FSCN2 (fascin actin-bundling protein 2, retinal; plus strand). Cytogenetic location: 17q25.3.
Variant type: single nucleotide variant.
Coding change: c.1279G>A on transcript NM_012418.4 (MANE Select); coding-DNA position 1279, G replaced by A.
Protein change: p.Asp427Asn; replaces aspartic acid 427 with asparagine.
Molecular consequence: missense variant.
Genome position (GRCh38, 1-based): chr17:81,536,880, G>A. VCF-style: chr17-81536880-G-A. GRCh37 (hg19) VCF-style: chr17-79503906-G-A.
Other names: c.1351G>A, p.Asp451Asn (NM_001077182.3); short protein forms D451N, D427N.
Identifiers: ClinVar variation 1369022 (VCV001369022.6), dbSNP rs775018715, ClinGen allele CA401478375.

ClinVar aggregate classification (germline): Uncertain significance (1 of 4 stars; one submission).

gnomAD v4.1: 3 of 1,571,564 alleles (0.00019%); highest among the groups gnomAD compares: Non-Finnish European, 0.00026%; no homozygotes.

Submission:

Labcorp Genetics (formerly Invitae), Labcorp
Classification: Uncertain significance. Last evaluated: 2022-03-09. Review status: criteria provided, single submitter. Criteria: Invitae Variant Classification Sherloc (09022015). Collection method: clinical testing. Allele origin: germline.
Comment: This variant has not been reported in the literature in individuals affected with FSCN2-related conditions. In summary, the available evidence is currently insufficient to determine the role of this variant in disease. Therefore, it has been classified as a Variant of Uncertain Significance. Algorithms developed to predict the effect of missense changes on protein structure and function (SIFT, PolyPhen-2, Align-GVGD) all suggest that this variant is likely to be tolerated. This variant is not present in population databases (gnomAD no frequency). This sequence change replaces aspartic acid, which is acidic and polar, with asparagine, which is neutral and polar, at codon 451 of the FSCN2 protein (p.Asp451Asn).